The following is an entry in ClinVar:

NM_032638.5(GATA2):c.1356C>G (p.Ile452Met)

Gene: GATA2 (GATA binding protein 2; minus strand). Cytogenetic location: 3q21.3.
Variant type: single nucleotide variant.
Coding change: c.1356C>G on transcript NM_032638.5 (MANE Select); coding-DNA position 1356, C replaced by G.
Protein change: p.Ile452Met; replaces isoleucine 452 with methionine.
Molecular consequence: missense variant.
Genome position (GRCh38, 1-based): chr3:128,481,106, G>C on the plus strand (C>G on the coding strand, the complement: GATA2 is on the minus strand). VCF-style: chr3-128481106-G-C. GRCh37 (hg19) VCF-style: chr3-128199949-G-C.
Other names: c.1356C>G, p.Ile452Met (NM_001145661.2); c.1314C>G, p.Ile438Met (NM_001145662.1); short protein forms I438M, I452M.
Identifiers: ClinVar variation 2921575 (VCV002921575.3), dbSNP rs1576744250, ClinGen allele CA354412648.

ClinVar aggregate classification (germline): Uncertain significance (1 of 4 stars; one submission).

Conditions:
Monocytopenia with susceptibility to infections. Also called: MONOCYTOPENIA AND MYCOBACTERIAL INFECTION SYNDROME; MONOCYTOPENIA WITH SUSCEPTIBILITY TO MYCOBACTERIAL, FUNGAL, AND PAPILLOMAVIRUS INFECTIONS AND MYELODYSPLASIA; COMBINED IMMUNODEFICIENCY WITH SUSCEPTIBILITY TO MYCOBACTERIAL, VIRAL, AND FUNGAL INFECTIONS; Dendritic cell, monocyte, B lymphocyte, and natural killer lymphocyte deficiency; IMMUNODEFICIENCY 21; GATA2 DEFICIENCY. Identifiers: Orphanet 228423, MedGen C3280030, MONDO:0013607, OMIM 614172.
Deafness-lymphedema-leukemia syndrome. Also called: Lymphedema, primary, with myelodysplasia; Emberger syndrome. Identifiers: Orphanet 3226, MedGen C3279664, MONDO:0013540, OMIM 614038.

Submission:

Labcorp Genetics (formerly Invitae), Labcorp
Classification: Uncertain significance for Monocytopenia with susceptibility to infections; Deafness-lymphedema-leukemia syndrome. Last evaluated: 2023-12-19. Review status: criteria provided, single submitter. Criteria: Invitae Variant Classification Sherloc (09022015). Collection method: clinical testing. Allele origin: germline.
Comment: This sequence change replaces isoleucine, which is neutral and non-polar, with methionine, which is neutral and non-polar, at codon 452 of the GATA2 protein (p.Ile452Met). This variant is not present in population databases (gnomAD no frequency). This missense change has been observed in individual(s) with clinical features of GATA2-related conditions (PMID: 35753512). Advanced modeling of protein sequence and biophysical properties (such as structural, functional, and spatial information, amino acid conservation, physicochemical variation, residue mobility, and thermodynamic stability) performed at Invitae indicates that this missense variant is not expected to disrupt GATA2 protein function with a negative predictive value of 95%. In summary, the available evidence is currently insufficient to determine the role of this variant in disease. Therefore, it has been classified as a Variant of Uncertain Significance.

Literature cited by the submitters: PubMed 35753512.